The following is an entry in ClinVar:

NM_032590.5(KDM2B):c.447G>A (p.Thr149=)

Gene: KDM2B (lysine demethylase 2B; minus strand). Cytogenetic location: 12q24.31.
Variant type: single nucleotide variant.
Coding change: c.447G>A on transcript NM_032590.5 (MANE Select); coding-DNA position 447, G replaced by A.
Protein change: p.Thr149=; no amino-acid change (threonine 149 retained).
Molecular consequence: synonymous variant.
Genome position (GRCh38, 1-based): chr12:121,549,589, C>T on the plus strand (G>A on the coding strand, the complement: KDM2B is on the minus strand). VCF-style: chr12-121549589-C-T. GRCh37 (hg19) VCF-style: chr12-121987494-C-T.
Other names: c.354G>A, p.Thr118= (NM_001005366.2, NM_001439020.1, NM_001439025.1 and 1 more transcripts); c.543G>A, p.Thr181= (NM_001439014.1, NM_001439015.1); c.447G>A, p.Thr149= (NM_001439016.1, NM_001439017.1, NM_001439018.1); c.336G>A, p.Thr112= (NM_001439021.1, NM_001439028.1); c.384G>A, p.Thr128= (NM_001439022.1, NM_001439023.1, NM_001439029.1).
Identifiers: ClinVar variation 5040997 (VCV005040997.1).

ClinVar aggregate classification (germline): Likely benign (1 of 4 stars; one submission).

gnomAD v4.1: 20 of 1,611,580 alleles (0.0012%); highest among the groups gnomAD compares: East Asian, 0.018%; no homozygotes.

Submission:

CeGaT Center for Human Genetics Tuebingen
Classification: Likely benign. Last evaluated: 2026-10-01. Review status: criteria provided, single submitter. Criteria: CeGaT Center For Human Genetics Tuebingen Variant Classification Criteria Version 2. Collection method: clinical testing. Allele origin: germline. Affected: yes. Observed: 1 variant allele.
Comment: KDM2B: BP4, BP7